The following is an entry in ClinVar:

NM_000318.3(PEX2):c.642G>A (p.Gln214=)

Gene: PEX2 (peroxisomal biogenesis factor 2; minus strand). Cytogenetic location: 8q21.13.
Variant type: single nucleotide variant.
Coding change: c.642G>A on transcript NM_000318.3 (MANE Select); coding-DNA position 642, G replaced by A.
Protein change: p.Gln214=; no amino-acid change (glutamine 214 retained).
Molecular consequence: synonymous variant.
Genome position (GRCh38, 1-based): chr8:76,983,537, C>T on the plus strand (G>A on the coding strand, the complement: PEX2 is on the minus strand). VCF-style: chr8-76983537-C-T. GRCh37 (hg19) VCF-style: chr8-77895773-C-T.
Other names: c.642G>A, p.Gln214= (NM_001079867.2, NM_001172086.2, NM_001172087.2).
Identifiers: ClinVar variation 743034 (VCV000743034.12), dbSNP rs1201496727, ClinGen allele CA461773297.

ClinVar aggregate classification (germline): Likely benign. Review status: criteria provided, single submitter (1 of 4 stars). 2 submissions from 2 submitters: Likely benign (1). 1 of the submissions does not count toward it. Last evaluated 2025-09-03.

Conditions:
PEX2-related disorder. Also called: PEX2-related condition.
Peroxisome biogenesis disorder 5A (Zellweger) (PBD5A). Identifiers: Orphanet 912, MedGen C3553940, MONDO:0013932, OMIM 614866.

Allele frequency attached by ClinVar (database versions not stated): gnomAD exomes below 0.00001 and 0.00001; gnomAD 0.00004 and 0.00005; TOPMed 0.00006.
gnomAD v4.1: 16 of 1,613,916 alleles (0.00099%); highest among the groups gnomAD compares: Admixed American, 0.013%; no homozygotes.

Submissions (2):

Labcorp Genetics (formerly Invitae), Labcorp
Classification: Likely benign for Peroxisome biogenesis disorder 5A (Zellweger). Last evaluated: 2025-09-03. Review status: criteria provided, single submitter. Criteria: Invitae Variant Classification Sherloc (09022015). Collection method: clinical testing. Allele origin: germline.

PreventionGenetics, part of Exact Sciences
Classification: Likely benign for PEX2-related condition. Last evaluated: 2021-03-21. Review status: no assertion criteria provided. Collection method: clinical testing. Allele origin: germline. Not counted in ClinVar's aggregate classification.
Comment: This variant is classified as likely benign based on ACMG/AMP sequence variant interpretation guidelines (Richards et al. 2015 PMID: 25741868, with internal and published modifications).